The following is an entry in ClinVar:

ClinVar aggregate classification (germline): Pathogenic (1 of 4 stars; one submission).

Conditions:
Sotos syndrome (SOTOS). Also called: Sotos' syndrome; Distinctive facial appearance, overgrowth in childhood, and learning disabilities or delayed development; CHROMOSOME 5q35 DELETION SYNDROME; CEREBRAL GIGANTISM; SOTOS SYNDROME 1. Identifiers: Orphanet 821, MedGen C0175695, MONDO:0019349, OMIM 117550.

Submission:

Laboratory of Medical Genetics, National & Kapodistrian University of Athens
Classification: Pathogenic for Sotos syndrome. Last evaluated: 2022-04-05. Review status: criteria provided, single submitter. Criteria: ACMG Guidelines, 2015. Collection method: clinical testing. Allele origin: de novo. Affected: yes.
Comment: PVS1, PS2, PM2, PP3

NM_022455.5(NSD1):c.7988G>A (p.Trp2663Ter)

Gene: NSD1 (nuclear receptor binding SET domain protein 1; plus strand). Cytogenetic location: 5q35.3.
Variant type: single nucleotide variant.
Coding change: c.7988G>A on transcript NM_022455.5 (MANE Select); coding-DNA position 7988, G replaced by A.
Protein change: p.Trp2663Ter; replaces tryptophan 2663 with a stop codon.
Molecular consequence: nonsense.
Genome position (GRCh38, 1-based): chr5:177,295,356, G>A. VCF-style: chr5-177295356-G-A. GRCh37 (hg19) VCF-style: chr5-176722357-G-A.
Other names: c.6866G>A, p.Trp2289Ter (NM_001409309.1); c.7115G>A, p.Trp2372Ter (NM_172349.5, NM_001365684.2, NM_001409308.1); c.7988G>A, p.Trp2663Ter (NM_001409301.1, NM_001409302.1, NM_001409303.1); c.7568G>A, p.Trp2523Ter (NM_001409304.1); c.7235G>A, p.Trp2412Ter (NM_001409305.1); c.7226G>A, p.Trp2409Ter (NM_001409306.1, NM_001409307.1); short protein forms W2289*, W2372*, W2394*, W2409*, W2412*, W2523*, W2663*.
Identifiers: ClinVar variation 1708139 (VCV001708139.2), dbSNP rs2127285210, ClinGen allele CA362335395.